The following is an entry in ClinVar:

ClinVar aggregate classification (germline): Uncertain significance (1 of 4 stars; one submission).

Submission:

GeneDx
Classification: Uncertain significance. Last evaluated: 2022-09-21. Review status: criteria provided, single submitter. Criteria: GeneDx Variant Classification Process June 2021. Collection method: clinical testing. Allele origin: germline. Affected: yes.
Comment: Not observed at significant frequency in large population cohorts (gnomAD); Has not been previously published as pathogenic or benign to our knowledge; In silico analysis supports a deleterious effect on protein structure/function; Occurs in the triple helical domain and is predicted to remove canonical Gly-X-Y repeat units; an in-frame deletion variant in this region may disrupt normal protein folding and function (Symoens et al., 2012); Deletion involving a gene for which loss of function is not a known mechanism of disease; This variant is associated with the following publications: (PMID: 22696272)

NM_000393.5(COL5A2):c.624_644del (p.Leu210_Gly216del)

Gene: COL5A2 (collagen type V alpha 2 chain; minus strand). Cytogenetic location: 2q32.2.
Variant type: Deletion.
Coding change: c.624_644del on transcript NM_000393.5 (MANE Select); coding-DNA positions 624 to 644, 21 bases deleted (AGGACTAATGCCTGGCTCTGT).
Protein change: p.Leu210_Gly216del.
Molecular consequence: inframe deletion.
Genome position (GRCh38, 1-based): chr2:189,088,696-189,088,716, ACAGAGCCAGGCATTAGTCCT deleted on the plus strand (AGGACTAATGCCTGGCTCTGT on the coding strand, the reverse complement: COL5A2 is on the minus strand); deleting any 21 consecutive bases within chr2:189,088,696-189,088,718 gives the same sequence; the c. name uses the placement nearest the transcript's 3' end. VCF-style (leftmost placement, unchanged base first): chr2-189088695-CACAGAGCCAGGCATTAGTCCT-C. GRCh37 (hg19) VCF-style: chr2-189953421-CACAGAGCCAGGCATTAGTCCT-C.
Identifiers: ClinVar variation 2446104 (VCV002446104.1), dbSNP rs2469366154, ClinGen allele CA2580065272.